The following is an entry in ClinVar:

NM_000321.3(RB1):c.982_987del (p.Asn328_Lys329del)

Gene: RB1 (RB transcriptional corepressor 1; plus strand). Cytogenetic location: 13q14.2.
Variant type: Deletion.
Coding change: c.982_987del on transcript NM_000321.3 (MANE Select); coding-DNA positions 982 to 987, 6 bases deleted (AATAAA; older notation c.982_987delAATAAA).
Protein change: p.Asn328_Lys329del.
Molecular consequence: inframe deletion.
Genome position (GRCh38, 1-based): chr13:48,367,536-48,367,541, AATAAA deleted; deleting any 6 consecutive bases within chr13:48,367,532-48,367,541 gives the same sequence; the c. name uses the placement nearest the transcript's 3' end. VCF-style (leftmost placement, unchanged base first): chr13-48367531-TTAAAAA-T. GRCh37 (hg19) VCF-style: chr13-48941667-TTAAAAA-T.
Other names: c.982_987delAATAAA (NM_000321.2).
Identifiers: ClinVar variation 237679 (VCV000237679.8), dbSNP rs878853952, ClinGen allele CA10583157.

ClinVar aggregate classification (germline): Uncertain significance. Review status: criteria provided, multiple submitters, no conflicts (2 of 4 stars). 3 submissions from 3 submitters: Uncertain significance (3). Last evaluated 2025-01-21.

Conditions:
Hereditary cancer-predisposing syndrome. Also called: Hereditary neoplastic syndrome; Hereditary Cancer Syndrome; Neoplastic Syndromes, Hereditary; Tumor predisposition. Identifiers: Orphanet 140162, MedGen C0027672, MeSH D009386, MONDO:0015356.
Retinoblastoma (RB1). Also called: RETINOBLASTOMA, SOMATIC. Identifiers: Orphanet 790, MedGen C0035335, MeSH D012175, MONDO:0008380, OMIM 180200, HP:0009919. Disease mechanism: loss of function. Inheritance: Both sporadic and heritable forms are tested..

Submissions (3):

Labcorp Genetics (formerly Invitae), Labcorp
Classification: Uncertain significance for Retinoblastoma. Last evaluated: 2025-01-21. Review status: criteria provided, single submitter. Criteria: Invitae Variant Classification Sherloc (09022015). Collection method: clinical testing. Allele origin: germline.
Comment: This variant, c.982_987del, results in the deletion of 2 amino acid(s) of the RB1 protein (p.Asn328_Lys329del), but otherwise preserves the integrity of the reading frame. This variant is not present in population databases (gnomAD no frequency). This variant has not been reported in the literature in individuals affected with RB1-related conditions. ClinVar contains an entry for this variant (Variation ID: 237679). Experimental studies and prediction algorithms are not available or were not evaluated, and the functional significance of this variant is currently unknown. In summary, the available evidence is currently insufficient to determine the role of this variant in disease. Therefore, it has been classified as a Variant of Uncertain Significance.

Color Diagnostics, LLC DBA Color Health
Classification: Uncertain significance for Retinoblastoma. Last evaluated: 2024-08-07. Review status: criteria provided, single submitter. Criteria: ACMG Guidelines, 2015. Collection method: clinical testing. Allele origin: germline.
Comment: This variant is an in-frame two amino acid deletion of aa328-329 in exon 10 the RB1 protein. To our knowledge, functional studies have not been reported for this variant. This variant has not been reported in individuals affected with RB1-related disorders in the literature. This variant has not been identified in the general population by the Genome Aggregation Database (gnomAD). The available evidence is insufficient to determine the role of this variant in disease conclusively. Therefore, this variant is classified as a Variant of Uncertain Significance.

Ambry Genetics
Classification: Uncertain significance for Hereditary cancer-predisposing syndrome. Last evaluated: 2023-06-15. Review status: criteria provided, single submitter. Criteria: Ambry Variant Classification Scheme 2023. Collection method: clinical testing. Allele origin: germline.
Comment: The c.982_987delAATAAA variant (also known as p.N328_K329del) is located in coding exon 10 of the RB1 gene. This variant results from an in-frame AATAAA deletion at nucleotide positions 982 to 987. This results in the in-frame deletion of 2 amino acids (NK) at codons 328 and 329. These amino acid positions are generally well conserved in available vertebrate species. In addition, this alteration is predicted to be deleterious by in silico analysis (Choi Y et al. PLoS ONE. 2012; 7(10):e46688). Since supporting evidence is limited at this time, the clinical significance of this alteration remains unclear.